The following is an entry in ClinVar:

ClinVar aggregate classification (germline): Pathogenic/Likely pathogenic. Review status: criteria provided, multiple submitters, no conflicts (2 of 4 stars). 3 submissions from 3 submitters: Pathogenic (2); Likely pathogenic (1). Last evaluated 2025-12-15.

Conditions:
Hereditary cancer-predisposing syndrome. Also called: Hereditary neoplastic syndrome; Tumor predisposition; Neoplastic Syndromes, Hereditary; Hereditary Cancer Syndrome. Identifiers: Orphanet 140162, MedGen C0027672, MeSH D009386, MONDO:0015356.
Hereditary breast ovarian cancer syndrome. Also called: Hereditary breast and ovarian cancer syndrome (HBOC); Hereditary breast and/or ovarian cancer syndrome; Hereditary breast and ovarian cancer; BRCA1- and BRCA2-Associated Hereditary Breast and Ovarian Cancer; Hereditary breast and ovarian cancer syndrome; Breast and ovarian cancer. Identifiers: Orphanet 145, MedGen C0677776, MeSH D061325, MONDO:0003582. Disease mechanism: loss of function.
Breast-ovarian cancer, familial, susceptibility to, 1 (BROVCA1). Also called: BRCA1 Hereditary Breast and Ovarian Cancer; OVARIAN CANCER, SUSCEPTIBILITY TO. Identifiers: Orphanet 145, MedGen C2676676, MONDO:0011450, OMIM 604370. Disease mechanism: loss of function.

Submissions (3):

Labcorp Genetics (formerly Invitae), Labcorp
Classification: Pathogenic for Hereditary breast ovarian cancer syndrome. Last evaluated: 2025-12-15. Review status: criteria provided, single submitter. Criteria: Invitae Variant Classification Sherloc (09022015). Collection method: clinical testing. Allele origin: germline.
Comment: This sequence change creates a premature translational stop signal (p.Ala485Glufs*13) in the BRCA1 gene. It is expected to result in an absent or disrupted protein product. Loss-of-function variants in BRCA1 are known to be pathogenic (PMID: 20104584). This variant is not present in population databases (gnomAD no frequency). This variant has not been reported in the literature in individuals affected with BRCA1-related conditions. ClinVar contains an entry for this variant (Variation ID: 945661). For these reasons, this variant has been classified as Pathogenic.

Baylor Genetics
Classification: Pathogenic for Breast-ovarian cancer, familial, susceptibility to, 1. Last evaluated: 2024-01-22. Review status: criteria provided, single submitter. Criteria: ACMG Guidelines, 2015. Collection method: clinical testing. Allele origin: unknown.

Sema4
Classification: Likely pathogenic for Hereditary cancer-predisposing syndrome. Last evaluated: 2021-12-03. Review status: criteria provided, single submitter. Criteria: Sema4 Curation Guidelines. Collection method: curation. Allele origin: germline.
Comment: The BRCA1 c.1399_1453dup (p.A485EfsX13) variant has been reported in heterozygosity in at least one individual with early onset breast cancer (PMID: 31528241). This variant causes a frameshift at amino acid 485 that results in premature termination 13 amino acids downstream. Loss of function variants in BRCA1 are known to be pathogenic (PMID: 29446198). This variant is not reported in the population database Genome Aggregation Database (PMID: 32461654). This variant has been reported in ClinVar (Variation ID: 945661). Based on the current evidence available, this variant is interpreted as likely pathogenic.

Literature cited by the submitters: PubMed 20104584 (cited by Labcorp Genetics (formerly Invitae), Labcorp); PubMed 31528241 (cited by Sema4); PubMed 29446198 (cited by Sema4).

NM_007294.4(BRCA1):c.1399_1453dup (p.Ala485delinsGluGluGlyLysProProGlnLeuLysProCysAsnTer)

Gene: BRCA1 (BRCA1 DNA repair associated; minus strand). Cytogenetic location: 17q21.31.
Variant type: Duplication.
Coding change: c.1399_1453dup on transcript NM_007294.4 (MANE Select); coding-DNA positions 1399 to 1453, 55 bases duplicated.
Protein change: p.Ala485delinsGluGluGlyLysProProGlnLeuLysProCysAsnTer.
Molecular consequence: nonsense. On other transcripts: frameshift variant (1), intron variant (137).
Genome position (GRCh38, 1-based): chr17:43,094,078-43,094,132, 55 bases duplicated. GRCh37 (hg19): chr17:41,246,096-41,246,150.
Other names: c.1399_1453dup (NM_007294.3); c.1189_1243dup, p.Ala415delinsGluGluGlyLysProProGlnLeuLysProCysAsnTer (NM_001407909.1, NM_001407910.1, NM_001407879.1 and 13 more transcripts); c.1186_1240dup, p.Ala414delinsGluGluGlyLysProProGlnLeuLysProCysAsnTer (NM_001407915.1, NM_001407916.1, NM_001407917.1 and 9 more transcripts); c.1276_1330dup, p.Ala444delinsGluGluGlyLysProProGlnLeuLysProCysAsnTer (NM_001407919.1, NM_001407937.1, NM_001407938.1 and 19 more transcripts); c.1135_1189dup, p.Ala397delinsGluGluGlyLysProProGlnLeuLysProCysAsnTer (NM_001407920.1, NM_001407921.1, NM_001407922.1 and 9 more transcripts); c.1132_1186dup, p.Ala396delinsGluGluGlyLysProProGlnLeuLysProCysAsnTer (NM_001407930.1, NM_001407931.1, NM_001407932.1 and 2 more transcripts); c.1273_1327dup, p.Ala443delinsGluGluGlyLysProProGlnLeuLysProCysAsnTer (NM_001407940.1, NM_001407941.1, NM_001407649.1 and 11 more transcripts); c.1258_1312dup, p.Ala438delinsGluGluGlyLysProProGlnLeuLysProCysAsnTer (NM_001407942.1, NM_001407944.1, NM_001407945.1 and 29 more transcripts); and 41 more.
Identifiers: ClinVar variation 945661 (VCV000945661.11), dbSNP rs2053936273, ClinGen allele CA1139664794.